The following is an entry in ClinVar:

ClinVar aggregate classification (germline): Benign. Review status: criteria provided, multiple submitters, no conflicts (2 of 4 stars). 2 submissions from 2 submitters: Benign (2). Last evaluated 2024-07-31.

Allele frequency attached by ClinVar (database versions not stated): 1000 Genomes Project 30x 0.22064; 1000 Genomes Project 0.22204; TOPMed 0.26292; gnomAD 0.27866 and 0.27958; ESP Exome Variant Server 0.29415; gnomAD exomes 0.31629 and 0.34056; ExAC 0.32136.

Submissions (2):

Unidad de Genómica Garrahan, Hospital de Pediatría Garrahan
Classification: Benign. Last evaluated: 2024-07-31. Review status: criteria provided, single submitter. Criteria: ACMG Guidelines, 2015. Collection method: clinical testing. Allele origin: germline. Affected: no. Observed: 47 variant alleles.
Comment: This variant is classified as Benign based on local population frequency. This variant was detected in 51% of patients studied in a panel designed for Epileptic and Developmental Encephalopathy, Progressive Myoclonus Epilepsy and Abnormal Movements and Neurodegeneration with brain iron accumulation. Number of patients: 47. Only high quality variants are reported.

GeneDx
Classification: Benign. Last evaluated: 2018-06-23. Review status: criteria provided, single submitter. Criteria: GeneDx Variant Classification Process June 2021. Collection method: clinical testing. Allele origin: germline. Affected: yes.

NM_020442.6(VARS2):c.3090+46G>A

Gene: VARS2 (valyl-tRNA synthetase 2, mitochondrial; plus strand). Cytogenetic location: 6p21.33.
Variant type: single nucleotide variant.
Coding change: c.3090+46G>A on transcript NM_020442.6 (MANE Select); 46 bases into the intron after coding-DNA position 3090, G replaced by A.
Molecular consequence: intron variant.
Genome position (GRCh38, 1-based): chr6:30,926,054, G>A. VCF-style: chr6-30926054-G-A. GRCh37 (hg19) VCF-style: chr6-30893831-G-A.
Other names: c.3180+46G>A (NM_001167734.2); c.2670+46G>A (NM_001167733.3).
Identifiers: ClinVar variation 1292282 (VCV001292282.4), dbSNP rs2532938, ClinGen allele CA3706451.